The following is an entry in ClinVar:

NM_001267550.2(TTN):c.29015C>T (p.Thr9672Ile)

Gene: TTN (titin; minus strand). Cytogenetic location: 2q31.2.
Variant type: single nucleotide variant.
Coding change: c.29015C>T on transcript NM_001267550.2 (MANE Select); coding-DNA position 29015, C replaced by T.
Protein change: p.Thr9672Ile; replaces threonine 9672 with isoleucine.
Molecular consequence: missense variant. On other transcripts: intron variant (3).
Genome position (GRCh38, 1-based): chr2:178,707,552, G>A on the plus strand (C>T on the coding strand, the complement: TTN is on the minus strand). VCF-style: chr2-178707552-G-A. GRCh37 (hg19) VCF-style: chr2-179572279-G-A.
Other names: c.29015C>T (LRG_391t1); c.28064C>T, p.Thr9355Ile (NM_001256850.1); c.25283C>T, p.Thr8428Ile (NM_133378.4); c.13282+30530C>T (NM_003319.4); c.13858+30530C>T (NM_133437.4); c.13657+30530C>T (NM_133432.3); short protein forms T9672I, T8428I, T9355I.
Identifiers: ClinVar variation 405137 (VCV000405137.13), dbSNP rs769996978, ClinGen allele CA16610532.

ClinVar aggregate classification (germline): Uncertain significance. Review status: criteria provided, multiple submitters, no conflicts (2 of 4 stars). 10 submissions from 6 submitters: Uncertain significance (10). Last evaluated 2026-07-01.

Conditions:
Early-onset myopathy with fatal cardiomyopathy (CMYO5). Also called: CONGENITAL MYOPATHY 5 WITH CARDIOMYOPATHY; Salih Myopathy. Identifiers: Orphanet 289377, MedGen C2673677, MONDO:0012714, OMIM 611705. Disease mechanism: loss of function.
Autosomal recessive limb-girdle muscular dystrophy type 2J (LGMDR10). Also called: Limb-girdle muscular dystrophy, type 2J; MUSCULAR DYSTROPHY, LIMB-GIRDLE, AUTOSOMAL RECESSIVE 10. Identifiers: Orphanet 140922, MedGen C1837342, MONDO:0012127, OMIM 608807.
Myopathy, myofibrillar, 9, with early respiratory failure (MFM9). Also called: Hereditary myopathy with early respiratory failure; Myopathy, distal, with early respiratory failure, autosomal dominant; EDSTROM MYOPATHY; MYOPATHY, PROXIMAL, WITH EARLY RESPIRATORY MUSCLE INVOLVEMENT. Identifiers: Orphanet 178464, Orphanet 34521, MedGen C1863599, MONDO:0011362, OMIM 603689.
Dilated cardiomyopathy 1G (CMD1G). Identifiers: Orphanet 154, MedGen C1858763, MONDO:0011400, OMIM 604145.
Tibial muscular dystrophy (TMD). Also called: Tibial muscular dystrophy, tardive; Udd Distal Myopathy – Tibial Muscular Dystrophy; UDD MYOPATHY. Identifiers: Orphanet 609, MedGen C1838244, MONDO:0010870, OMIM 600334.

Allele frequency attached by ClinVar (database versions not stated): gnomAD exomes 0.00001 and 0.00006; gnomAD 0.00003 and 0.00004; TOPMed 0.00003.
gnomAD v4.1: 98 of 1,613,344 alleles (0.0061%); highest among the groups gnomAD compares: Non-Finnish European, 0.0074%; no homozygotes.

Submissions (10):

CeGaT Center for Human Genetics Tuebingen
Classification: Uncertain significance. Last evaluated: 2026-07-01. Review status: criteria provided, single submitter. Criteria: CeGaT Center For Human Genetics Tuebingen Variant Classification Criteria Version 2. Collection method: clinical testing. Allele origin: germline. Affected: yes. Observed: 1 variant allele.
Comment: TTN: PM2, BP4

GeneDx
Classification: Uncertain significance. Last evaluated: 2024-08-20. Review status: criteria provided, single submitter. Criteria: GeneDx Variant Classification Process June 2021. Collection method: clinical testing. Allele origin: germline.
Comment: Not observed at significant frequency in large population cohorts (gnomAD); Missense variant in a gene in which most reported pathogenic variants are truncating/loss of function; Has not been previously published as pathogenic or benign to our knowledge

Revvity Omics, Revvity
Classification: Uncertain significance. Last evaluated: 2019-07-03. Review status: criteria provided, single submitter. Criteria: ACMG Guidelines, 2015. Collection method: clinical testing. Allele origin: germline.

Athena Diagnostics
Classification: Uncertain significance. Last evaluated: 2018-03-07. Review status: criteria provided, single submitter. Criteria: Athena Diagnostics Criteria. Collection method: clinical testing. Allele origin: germline.

Illumina Laboratory Services, Illumina
Classification: Uncertain significance for Myopathy, myofibrillar, 9, with early respiratory failure. Last evaluated: 2018-01-12. Review status: criteria provided, single submitter. Criteria: ICSL Variant Classification Criteria 13 December 2019. Collection method: clinical testing. Allele origin: germline.

Illumina Laboratory Services, Illumina
Classification: Uncertain significance for Autosomal recessive limb-girdle muscular dystrophy type 2J. Last evaluated: 2018-01-12. Review status: criteria provided, single submitter. Criteria: ICSL Variant Classification Criteria 13 December 2019. Collection method: clinical testing. Allele origin: germline.

Illumina Laboratory Services, Illumina
Classification: Uncertain significance for Early-onset myopathy with fatal cardiomyopathy. Last evaluated: 2018-01-12. Review status: criteria provided, single submitter. Criteria: ICSL Variant Classification Criteria 13 December 2019. Collection method: clinical testing. Allele origin: germline.

Illumina Laboratory Services, Illumina
Classification: Uncertain significance for Dilated cardiomyopathy 1G. Last evaluated: 2018-01-12. Review status: criteria provided, single submitter. Criteria: ICSL Variant Classification Criteria 13 December 2019. Collection method: clinical testing. Allele origin: germline.

Illumina Laboratory Services, Illumina
Classification: Uncertain significance for Tibial muscular dystrophy. Last evaluated: 2018-01-12. Review status: criteria provided, single submitter. Criteria: ICSL Variant Classification Criteria 13 December 2019. Collection method: clinical testing. Allele origin: germline.

Labcorp Genetics (formerly Invitae), Labcorp
Classification: Uncertain significance for Dilated cardiomyopathy 1G; Autosomal recessive limb-girdle muscular dystrophy type 2J. Last evaluated: 2017-10-31. Review status: criteria provided, single submitter. Criteria: Invitae Variant Classification Sherloc (09022015). Collection method: clinical testing. Allele origin: germline.